The following is an entry in ClinVar:

NM_000257.4(MYH7):c.1318G>A (p.Val440Met)

Gene: MYH7 (myosin heavy chain 7; minus strand). Cytogenetic location: 14q11.2.
Variant type: single nucleotide variant.
Coding change: c.1318G>A on transcript NM_000257.4 (MANE Select); coding-DNA position 1318, G replaced by A.
Protein change: p.Val440Met; replaces valine 440 with methionine.
Molecular consequence: missense variant.
Genome position (GRCh38, 1-based): chr14:23,429,044, C>T on the plus strand (G>A on the coding strand, the complement: MYH7 is on the minus strand). VCF-style: chr14-23429044-C-T. GRCh37 (hg19) VCF-style: chr14-23898253-C-T.
Other names: NM_000257.4(MYH7):c.1318G>A; short protein forms V440M.
Identifiers: ClinVar variation 42835 (VCV000042835.19), dbSNP rs397516098, ClinGen allele CA010537.

ClinVar aggregate classification (germline): Likely pathogenic. Review status: reviewed by expert panel (3 of 4 stars). 6 submissions from 6 submitters: Likely pathogenic (1). 5 of the submissions do not count toward it. Last evaluated 2020-08-12.

Conditions:
MYH7-related disorder. Also called: MYH7-related disorders; MYH7-related condition; MYH7-related disease.
Cardiovascular phenotype. Identifiers: MedGen CN230736.
Hypertrophic cardiomyopathy. Also called: HYPERTROPHIC MYOCARDIOPATHY. Identifiers: Orphanet 217569, MedGen C0007194, MeSH D002312, MONDO:0005045, HP:0001639.

Submissions (6):

ClinGen Cardiomyopathy Variant Curation Expert Panel
Classification: Likely pathogenic for Hypertrophic cardiomyopathy. Last evaluated: 2020-08-12. Review status: reviewed by expert panel. Criteria: ClinGen CMP ACMG Specifications v1. Collection method: curation. Allele origin: germline. Inheritance: Autosomal dominant inheritance.
Comment: The c.1318G>A (p.Val440Met) variant in MYH7 has been reported in at least 3 individuals with HCM (PS4_Supporting; Van Driest 2004 PMID:15358028; Bos 2014 PMID:24793961; Walsh 2017 PMID:27532257; LMM pers comm.; OMGL pers comm.) and 1 individual with RCM (Invitae pers comm.). This variant segregated with HCM in 3 affected relatives from 3 families (PP1; LMM pers comm.; OMGL pers comm.). This variant was absent from large population studies (PM2;, v2.1.1). This variant lies in the head region of the protein (aa 181-937) and missense variants in this region are statistically more likely to be disease-associated (PM1; Walsh 2017 PMID:27532257). Computational prediction tools and conservation analysis suggest that this variant may impact the protein (PP3). In summary, this variant meets criteria to be classified as likely pathogenic for hypertrophic cardiomyopathy in an autosomal dominant manner. ACMG/AMP Criteria applied: PS4_Supporting; PP1; PM2; PM1; PP3.

Ambry Genetics
Classification: Likely pathogenic for Cardiovascular phenotype. Last evaluated: 2024-08-21. Review status: criteria provided, single submitter. Criteria: Ambry Variant Classification Scheme 2023. Collection method: clinical testing. Allele origin: germline. Not counted in ClinVar's aggregate classification.
Comment: The p.V440M variant (also known as c.1318G>A), located in coding exon 12 of the MYH7 gene, results from a G to A substitution at nucleotide position 1318. The valine at codon 440 is replaced by methionine, an amino acid with highly similar properties. This alteration is located in the myosin head domain, which contains a statistically significant clustering of pathogenic missense variants (Homburger JR et al. Proc Natl Acad Sci U S A, 2016 06;113:6701-6; Walsh R et al. Genet Med, 2017 02;19:192-203; Ambry internal data). This variant has been detected in several hypertrophic cardiomyopathy cohorts, and several clinical labs report limited segregation with disease (Van Driest SL et al. J. Am. Coll. Cardiol., 2004 Aug;44:602-10; Bos JM et al. Mayo Clin. Proc., 2014 Jun;89:727-37; Walsh R et al. Genet. Med., 2017 02;19:192-203; external communication). This variant is considered to be rare based on population cohorts in the Genome Aggregation Database (gnomAD). This amino acid position is highly conserved in available vertebrate species. In addition, this alteration is predicted to be deleterious by in silico analysis. Based on the majority of available evidence to date, this variant is likely to be pathogenic.

Molecular Diagnostic Laboratory for Inherited Cardiovascular Disease, Montreal Heart Institute
Classification: Pathogenic for Cardiovascular phenotype. Last evaluated: 2024-01-23. Review status: criteria provided, single submitter. Criteria: ACMG Guidelines, 2015. Collection method: clinical testing. Allele origin: germline. Affected: yes. Not counted in ClinVar's aggregate classification.
Comment: PP1_strong, PS4_mod, PM1, PM2, PM5_supp, PP3

Labcorp Genetics (formerly Invitae), Labcorp
Classification: Uncertain significance for Hypertrophic cardiomyopathy. Last evaluated: 2023-11-13. Review status: criteria provided, single submitter. Criteria: Invitae Variant Classification Sherloc (09022015). Collection method: clinical testing. Allele origin: germline. Not counted in ClinVar's aggregate classification.
Comment: This sequence change replaces valine, which is neutral and non-polar, with methionine, which is neutral and non-polar, at codon 440 of the MYH7 protein (p.Val440Met). This variant is not present in population databases (gnomAD no frequency). This missense change has been observed in individual(s) with hypertrophic cardiomyopathy (PMID: 15358028, 27532257, 33673806). ClinVar contains an entry for this variant (Variation ID: 42835). Advanced modeling of protein sequence and biophysical properties (such as structural, functional, and spatial information, amino acid conservation, physicochemical variation, residue mobility, and thermodynamic stability) performed at Invitae indicates that this missense variant is expected to disrupt MYH7 protein function with a positive predictive value of 95%. In summary, the available evidence is currently insufficient to determine the role of this variant in disease. Therefore, it has been classified as a Variant of Uncertain Significance.

Blueprint Genetics
Classification: Pathogenic for MYH7-related disorders. Last evaluated: 2023-05-05. Review status: criteria provided, single submitter. Criteria: ACMG Guidelines, 2015. Collection method: clinical testing. Allele origin: germline. Affected: yes. Observed: 4 variant alleles. Not counted in ClinVar's aggregate classification.

Laboratory for Molecular Medicine, Mass General Brigham Personalized Medicine
Classification: Likely pathogenic for Hypertrophic cardiomyopathy. Last evaluated: 2017-11-06. Review status: criteria provided, single submitter. Criteria: LMM Criteria. Collection method: clinical testing. Allele origin: germline. Inheritance: Autosomal dominant inheritance. Observed: 5 variant alleles. Not counted in ClinVar's aggregate classification.
Comment: The p.Val440Met variant in MYH7 has been reported in 5 individuals with HCM (Van Driest 2004; Walsh 2016) and segregated with disease in 2 affected relatives fr om 2 families. This variant was absent from large population studies. This varia nt was predicted to be pathogenic using a computational tool clinically validate d by our laboratory. This tool's pathogenic prediction is estimated to be correc t 94% of the time (Jordan 2011). This variant lies in the head region of the pro tein. Missense variants in this region have been reported and statistically indi cated to be more likely to cause disease (Walsh 2016). In summary, although addi tional studies are required to fully establish its clinical significance, the p. Val440Met variant is likely pathogenic.

Literature cited by the submitters: PubMed 15358028 (cited by 3 submitters); PubMed 24793961 (cited by Ambry Genetics); PubMed 27532257 (cited by 3 submitters); PubMed 30275503 (cited by Ambry Genetics); PubMed 33673806 (cited by Labcorp Genetics (formerly Invitae), Labcorp); PubMed 21310275 (cited by Laboratory for Molecular Medicine, Mass General Brigham Personalized Medicine).